The following is an entry in ClinVar:

ClinVar aggregate classification (germline): Conflicting classifications of pathogenicity. Review status: criteria provided, conflicting classifications (1 of 4 stars). 2 submissions from 2 submitters: Uncertain significance (1); Benign (1). Last evaluated 2025-02-10.

Allele frequency attached by ClinVar (database versions not stated): TOPMed 0.00005; gnomAD 0.00006; 1000 Genomes Project 0.00020; ExAC 0.00002; 1000 Genomes Project 30x 0.00016; gnomAD exomes 0.00003.
gnomAD v4.1: 62 of 1,612,590 alleles (0.0038%); highest among the groups gnomAD compares: East Asian, 0.0089%; no homozygotes.

Submissions (2):

Labcorp Genetics (formerly Invitae), Labcorp
Classification: Benign. Last evaluated: 2025-02-10. Review status: criteria provided, single submitter. Criteria: Invitae Variant Classification Sherloc (09022015). Collection method: clinical testing. Allele origin: germline.

Women's Health and Genetics/Laboratory Corporation of America, LabCorp
Classification: Uncertain significance. Last evaluated: 2023-03-23. Review status: criteria provided, single submitter. Criteria: LabCorp Variant Classification Summary - May 2015. Collection method: clinical testing. Allele origin: germline.
Comment: Variant summary: SOX6 c.1633C>T (p.Arg545Cys) results in a non-conservative amino acid change in the encoded protein sequence. Three of five in-silico tools predict a damaging effect of the variant on protein function. The variant allele was found at a frequency of 2.4e-05 in 250464 control chromosomes. The available data on variant occurrences in the general population are insufficient to allow any conclusion about variant significance. To our knowledge, no occurrence of c.1633C>T in individuals affected with Tolchin-Le Caignec Syndrome and no experimental evidence demonstrating its impact on protein function have been reported. No submitters have provided clinical-significance assessments for this variant to ClinVar after 2014. Based on the evidence outlined above, the variant was classified as uncertain significance.

NM_001367873.1(SOX6):c.1633C>T (p.Arg545Cys)

Gene: SOX6 (SRY-box transcription factor 6; minus strand). Cytogenetic location: 11p15.2.
Variant type: single nucleotide variant.
Coding change: c.1633C>T on transcript NM_001367873.1 (MANE Select); coding-DNA position 1633, C replaced by T.
Protein change: p.Arg545Cys; replaces arginine 545 with cysteine.
Molecular consequence: missense variant.
Genome position (GRCh38, 1-based): chr11:16,015,041, G>A on the plus strand (C>T on the coding strand, the complement: SOX6 is on the minus strand). VCF-style: chr11-16015041-G-A. GRCh37 (hg19) VCF-style: chr11-16036587-G-A.
Other names: c.1552C>T, p.Arg518Cys (NM_001145811.2, NM_017508.3); c.1633C>T, p.Arg545Cys (NM_001145819.2, NM_033326.3); c.1510C>T, p.Arg504Cys (NM_001367872.1); short protein forms R504C, R518C, R545C.
Identifiers: ClinVar variation 2501274 (VCV002501274.3), dbSNP rs185225806, ClinGen allele CA5898069.
Genomic context (GRCh38, chr11:16,015,041, plus strand): 5'-GGCCCAGTTTTCCATCTTCATTTGACTTTCCCGTTAACTGGGGCCCCAAATTCTCAAAGC[G>A]CGTTCTTTCCTAGAGGAACAAATAATCAGAGGCTTATTCTAGTTTCCAAAACAGCCACCA-3'
Protein context (NP_001354802.1, residues 535-555): NSCRNEKERT[Arg545Cys]FENLGPQLTG